The following is an entry in ClinVar:

NM_013432.5(TONSL):c.556A>G (p.Arg186Gly)

Gene: TONSL (tonsoku like, DNA repair protein; minus strand). Cytogenetic location: 8q24.3.
Variant type: single nucleotide variant.
Coding change: c.556A>G on transcript NM_013432.5 (MANE Select); coding-DNA position 556, A replaced by G.
Protein change: p.Arg186Gly; replaces arginine 186 with glycine.
Molecular consequence: missense variant.
Genome position (GRCh38, 1-based): chr8:144,442,699, T>C on the plus strand (A>G on the coding strand, the complement: TONSL is on the minus strand). VCF-style: chr8-144442699-T-C. GRCh37 (hg19) VCF-style: chr8-145668082-T-C.
Other names: c.556A>G (NM_013432.4); short protein forms R186G.
Identifiers: ClinVar variation 1525224 (VCV001525224.8), dbSNP rs141117208, ClinGen allele CA4943623.

ClinVar aggregate classification (germline): Uncertain significance. Review status: criteria provided, multiple submitters, no conflicts (2 of 4 stars). 2 submissions from 2 submitters: Uncertain significance (2). Last evaluated 2024-06-22.

Conditions:
Inborn genetic diseases. Identifiers: MedGen C0950123, MeSH D030342.

Allele frequency attached by ClinVar (database versions not stated): TOPMed 0.00001; gnomAD 0.00002 and 0.00004; gnomAD exomes 0.00004 and 0.00008; ExAC 0.00007; ESP Exome Variant Server 0.00008.
gnomAD v4.1: 69 of 1,612,812 alleles (0.0043%); highest among the groups gnomAD compares: South Asian, 0.056%; no homozygotes.

Submissions (2):

Labcorp Genetics (formerly Invitae), Labcorp
Classification: Uncertain significance. Last evaluated: 2024-06-22. Review status: criteria provided, single submitter. Criteria: Invitae Variant Classification Sherloc (09022015). Collection method: clinical testing. Allele origin: germline.
Comment: This sequence change replaces arginine, which is basic and polar, with glycine, which is neutral and non-polar, at codon 186 of the TONSL protein (p.Arg186Gly). This variant is present in population databases (rs141117208, gnomAD 0.06%). This variant has not been reported in the literature in individuals affected with TONSL-related conditions. ClinVar contains an entry for this variant (Variation ID: 1525224). Advanced modeling of protein sequence and biophysical properties (such as structural, functional, and spatial information, amino acid conservation, physicochemical variation, residue mobility, and thermodynamic stability) performed at Invitae indicates that this missense variant is expected to disrupt TONSL protein function with a positive predictive value of 80%. In summary, the available evidence is currently insufficient to determine the role of this variant in disease. Therefore, it has been classified as a Variant of Uncertain Significance.

Ambry Genetics
Classification: Uncertain significance for Inborn genetic diseases. Last evaluated: 2021-09-15. Review status: criteria provided, single submitter. Criteria: Ambry Variant Classification Scheme 2023. Collection method: clinical testing. Allele origin: germline.